The following is an entry in ClinVar:

NM_020442.6(VARS2):c.667G>T (p.Glu223Ter)

Gene: VARS2 (valyl-tRNA synthetase 2, mitochondrial; plus strand). Cytogenetic location: 6p21.33.
Variant type: single nucleotide variant.
Coding change: c.667G>T on transcript NM_020442.6 (MANE Select); coding-DNA position 667, G replaced by T.
Protein change: p.Glu223Ter; replaces glutamic acid 223 with a stop codon.
Molecular consequence: nonsense.
Genome position (GRCh38, 1-based): chr6:30,916,245, G>T. VCF-style: chr6-30916245-G-T. GRCh37 (hg19) VCF-style: chr6-30884022-G-T.
Other names: c.247G>T, p.Glu83Ter (NM_001167733.3); c.757G>T, p.Glu253Ter (NM_001167734.2); short protein forms E223*, E253*, E83*.
Identifiers: ClinVar variation 3255217 (VCV003255217.1), dbSNP rs2538630404.

ClinVar aggregate classification (germline): Pathogenic (1 of 4 stars; one submission).

Conditions:
Combined oxidative phosphorylation defect type 20. Also called: Combined oxidative phosphorylation deficiency 20. Identifiers: Orphanet 420728, MedGen C4014660, MONDO:0014397, OMIM 615917.

Allele frequency attached by ClinVar (database versions not stated): gnomAD exomes below 0.00001.

Submission:

Victorian Clinical Genetics Services, Murdoch Childrens Research Institute
Classification: Pathogenic for Combined oxidative phosphorylation defect type 20. Last evaluated: 2023-07-17. Review status: criteria provided, single submitter. Criteria: ACMG Guidelines, 2015. Collection method: clinical testing. Allele origin: germline. Inheritance: Autosomal recessive inheritance. Affected: no.
Comment: Based on the classification scheme VCGS_Germline_v1.3.4, this variant is classified as Pathogenic. Following criteria are met: 0102 - Loss of function is a known mechanism of disease in this gene and is associated with combined oxidative phosphorylation deficiency 20 (MIM#615917). (I) 0106 - This gene is associated with autosomal recessive disease. (I) 0201 - Variant is predicted to cause nonsense-mediated decay (NMD) and loss of protein (premature termination codon is located at least 54 nucleotides upstream of the final exon-exon junction). (SP) 0251 - This variant is heterozygous. (I) 0301 - Variant is absent from gnomAD (both v2 and v3). (SP) 0701 - Other NMD-predicted variants comparable to the one identified in this case have very strong previous evidence for pathogenicity. These variants have been reported as pathogenic, and observed in individuals with epileptic encephalopathy (DECIPHER, PMID: 31623496). (SP) 0807 - This variant has no previous evidence of pathogenicity. (I) 0905 - No published segregation evidence has been identified for this variant. (I) 1007 - No published functional evidence has been identified for this variant. (I) 1208 - Inheritance information for this variant is not currently available in this individual. (I) Legend: (SP) - Supporting pathogenic, (I) - Information, (SB) - Supporting benign

Literature cited by the submitters: PubMed 31623496.